The following is an entry in ClinVar:

ClinVar aggregate classification (germline): Benign/Likely benign. Review status: criteria provided, multiple submitters, no conflicts (2 of 4 stars). 5 submissions from 5 submitters: Benign (1); Likely benign (4). Last evaluated 2025-11-19.

Conditions:
Hereditary cancer-predisposing syndrome. Also called: Neoplastic Syndromes, Hereditary; Hereditary Cancer Syndrome; Tumor predisposition; Hereditary neoplastic syndrome. Identifiers: Orphanet 140162, MedGen C0027672, MeSH D009386, MONDO:0015356.
Ataxia-telangiectasia syndrome (AT). Also called: LOUIS-BAR SYNDROME; Cerebello-oculocutaneous telangiectasia; Immunodeficiency with ataxia telangiectasia; Ataxia-telangiectasia, complementation group D; AT, COMPLEMENTATION GROUP C; Ataxia-telangiectasia, complementation group E. Identifiers: Orphanet 100, MedGen C0004135, MONDO:0008840, OMIM 208900.
Familial cancer of breast. Also called: Hereditary breast cancer; BREAST CANCER, FAMILIAL; hereditary breast carcinoma. Identifiers: Orphanet 227535, MedGen C0346153, MONDO:0016419, OMIM 114480. Disease mechanism: loss of function.

Submissions (5):

Labcorp Genetics (formerly Invitae), Labcorp
Classification: Likely benign for Ataxia-telangiectasia syndrome. Last evaluated: 2025-11-19. Review status: criteria provided, single submitter. Criteria: Invitae Variant Classification Sherloc (09022015). Collection method: clinical testing. Allele origin: germline.

Center for Genomic Medicine, Rigshospitalet, Copenhagen University Hospital
Classification: Likely benign. Last evaluated: 2025-03-04. Review status: criteria provided, single submitter. Criteria: ACMG Guidelines, 2015. Collection method: clinical testing. Allele origin: germline.

Myriad Genetics, Inc.
Classification: Benign for Familial cancer of breast. Last evaluated: 2024-06-20. Review status: criteria provided, single submitter. Criteria: Myriad Autosomal Dominant, Autosomal Recessive and X-Linked Classification Criteria (2023). Collection method: clinical testing. Allele origin: unknown.
Comment: This variant is considered benign. This variant is a silent/synonymous amino acid change and it is not expected to impact splicing.

Color Diagnostics, LLC DBA Color Health
Classification: Likely benign for Hereditary cancer-predisposing syndrome. Last evaluated: 2019-12-13. Review status: criteria provided, single submitter. Criteria: ACMG Guidelines, 2015. Collection method: clinical testing. Allele origin: germline.

Ambry Genetics
Classification: Likely benign for Hereditary cancer-predisposing syndrome. Last evaluated: 2017-07-27. Review status: criteria provided, single submitter. Criteria: Ambry Variant Classification Scheme 2023. Collection method: clinical testing. Allele origin: germline.

NM_000051.4(ATM):c.8421G>A (p.Glu2807=)

Genes: ATM (ATM serine/threonine kinase; plus strand), C11orf65 (chromosome 11 open reading frame 65; minus strand). Cytogenetic location: 11q22.3.
Variant type: single nucleotide variant.
Coding change: c.8421G>A on transcript NM_000051.4 (MANE Select); coding-DNA position 8421, G replaced by A.
Protein change: p.Glu2807=; no amino-acid change (glutamic acid 2807 retained).
Molecular consequence: synonymous variant. On other transcripts: intron variant (2).
Genome position (GRCh38, 1-based): chr11:108,345,745, G>A. VCF-style: chr11-108345745-G-A. GRCh37 (hg19) VCF-style: chr11-108216472-G-A.
Other names: c.8421G>A, p.Glu2807= (NM_001351834.2); c.641-36674C>T (NM_001330368.2); c.695-10453C>T (NM_001351110.2).
Identifiers: ClinVar variation 482530 (VCV000482530.16), dbSNP rs1555137945, ClinGen allele CA476673036.